The following is an entry in ClinVar:

NM_000454.5(SOD1):c.50G>C (p.Gly17Ala)

Genes: SOD1 (superoxide dismutase 1; plus strand), SOD1-DT (SOD1 divergent transcript; minus strand). Cytogenetic location: 21q22.11.
Variant type: single nucleotide variant.
Coding change: c.50G>C on transcript NM_000454.5 (MANE Select); coding-DNA position 50, G replaced by C.
Protein change: p.Gly17Ala; replaces glycine 17 with alanine.
Molecular consequence: missense variant.
Genome position (GRCh38, 1-based): chr21:31,659,819, G>C. VCF-style: chr21-31659819-G-C. GRCh37 (hg19) VCF-style: chr21-33032132-G-C.
Other names: short protein forms G17A.
Identifiers: ClinVar variation 586638 (VCV000586638.43), dbSNP rs1200906022, ClinGen allele CA410036027.

ClinVar aggregate classification (germline): Pathogenic/Likely pathogenic. Review status: criteria provided, multiple submitters, no conflicts (2 of 4 stars). 3 submissions from 3 submitters: Pathogenic (2); Likely pathogenic (1). Last evaluated 2021-04-01.

Conditions:
Amyotrophic lateral sclerosis type 1 (ALS1). Also called: AMYOTROPHIC LATERAL SCLEROSIS 1, FAMILIAL. Identifiers: Orphanet 803, MedGen C1862939, MONDO:0007103, OMIM 105400.

Allele frequency attached by ClinVar (database versions not stated): gnomAD exomes below 0.00001.

Submissions (3):

CeGaT Center for Human Genetics Tuebingen
Classification: Pathogenic. Last evaluated: 2021-04-01. Review status: criteria provided, single submitter. Criteria: CeGaT Center For Human Genetics Tuebingen Variant Classification Criteria Version 2. Collection method: clinical testing. Allele origin: germline. Affected: yes. Observed: 1 variant allele.

Labcorp Genetics (formerly Invitae), Labcorp
Classification: Pathogenic for Amyotrophic lateral sclerosis type 1. Last evaluated: 2020-08-06. Review status: criteria provided, single submitter. Criteria: Invitae Variant Classification Sherloc (09022015). Collection method: clinical testing. Allele origin: germline.
Comment: Experimental studies have shown that this variant affects SOD1 protein function or expression (PMID: 23280792). For these reasons, this variant has been classified as Pathogenic. Advanced modeling of protein sequence and biophysical properties (such as structural, functional, and spatial information, amino acid conservation, physicochemical variation, residue mobility, and thermodynamic stability) performed at Invitae indicates that this missense variant is expected to disrupt SOD1 protein function. This variant has been observed in individual(s) with amyotrophic lateral sclerosis (PMID: 22244934, 22292843, 25509359, 25623562). This variant is also known as G16A. ClinVar contains an entry for this variant (Variation ID: 586638). This variant is not present in population databases (ExAC no frequency). This sequence change replaces glycine with alanine at codon 17 of the SOD1 protein (p.Gly17Ala). The glycine residue is highly conserved and there is a small physicochemical difference between glycine and alanine.

Athena Diagnostics
Classification: Likely pathogenic. Last evaluated: 2017-12-26. Review status: criteria provided, single submitter. Criteria: Athena Diagnostics Criteria. Collection method: clinical testing. Allele origin: germline.

Literature cited by the submitters: PubMed 23280792 (cited by Labcorp Genetics (formerly Invitae), Labcorp and Athena Diagnostics); PubMed 22244934 (cited by Labcorp Genetics (formerly Invitae), Labcorp and Athena Diagnostics); PubMed 22292843 (cited by Labcorp Genetics (formerly Invitae), Labcorp and Athena Diagnostics); PubMed 25509359 (cited by Labcorp Genetics (formerly Invitae), Labcorp and Athena Diagnostics); PubMed 25623562 (cited by Labcorp Genetics (formerly Invitae), Labcorp and Athena Diagnostics); PubMed 14506936 (cited by Athena Diagnostics); PubMed 27470954 (cited by Athena Diagnostics); PubMed 24312616 (cited by Athena Diagnostics); PubMed 23869403 (cited by Athena Diagnostics).